The following is an entry in ClinVar:

ClinVar aggregate classification (germline): Uncertain significance (1 of 4 stars; one submission).

Submission:

Labcorp Genetics (formerly Invitae), Labcorp
Classification: Uncertain significance. Last evaluated: 2025-12-27. Review status: criteria provided, single submitter. Criteria: Invitae Variant Classification Sherloc (09022015). Collection method: clinical testing. Allele origin: germline.
Comment: This sequence change replaces glutamic acid, which is acidic and polar, with glutamine, which is neutral and polar, at codon 367 of the LZTS1 protein (p.Glu367Gln). This variant is present in population databases (no rsID available, gnomAD 0.01%). This variant has not been reported in the literature in individuals affected with LZTS1-related conditions. Invitae Evidence Modeling of protein sequence and biophysical properties (such as structural, functional, and spatial information, amino acid conservation, physicochemical variation, residue mobility, and thermodynamic stability) indicates that this missense variant is not expected to disrupt LZTS1 protein function with a negative predictive value of 80%. In summary, the available evidence is currently insufficient to determine the role of this variant in disease. Therefore, it has been classified as a Variant of Uncertain Significance.

NM_021020.5(LZTS1):c.1099G>C (p.Glu367Gln)

Gene: LZTS1 (leucine zipper tumor suppressor 1; minus strand). Cytogenetic location: 8p21.3.
Variant type: single nucleotide variant.
Coding change: c.1099G>C on transcript NM_021020.5 (MANE Select); coding-DNA position 1099, G replaced by C.
Protein change: p.Glu367Gln; replaces glutamic acid 367 with glutamine.
Molecular consequence: missense variant.
Genome position (GRCh38, 1-based): chr8:20,252,832, C>G on the plus strand (G>C on the coding strand, the complement: LZTS1 is on the minus strand). VCF-style: chr8-20252832-C-G. GRCh37 (hg19) VCF-style: chr8-20110343-C-G.
Other names: c.1099G>C, p.Glu367Gln (NM_001362884.2); short protein forms E367Q.
Identifiers: ClinVar variation 4774490 (VCV004774490.1).